The following is an entry in ClinVar:

NM_020989.4(CRYGC):c.442C>T (p.Pro148Ser)

Genes: CRYGC (crystallin gamma C; minus strand), LOC100507443 (uncharacterized LOC100507443; plus strand). Cytogenetic location: 2q33.3.
Variant type: single nucleotide variant.
Coding change: c.442C>T on transcript NM_020989.4 (MANE Select); coding-DNA position 442, C replaced by T.
Protein change: p.Pro148Ser; replaces proline 148 with serine.
Molecular consequence: missense variant.
Genome position (GRCh38, 1-based): chr2:208,128,286, G>A on the plus strand (C>T on the coding strand, the complement: CRYGC is on the minus strand). VCF-style: chr2-208128286-G-A. GRCh37 (hg19) VCF-style: chr2-208993010-G-A.
Other names: short protein forms P148S.
Identifiers: ClinVar variation 4989727 (VCV004989727.1).
Genomic context (GRCh38, chr2:208,128,286, plus strand): 5'-GCAAAGAGCCTGCCTTAGCATCCATGGCCCCCCAGTCCTGGCACCGCCTGTACTCTTGGG[G>A]CCTCAGCAGGTATTGCCGCCCCCGGTAGTTGGGCAGCTCGTAGAGGACCCAGCAGCCCTC-3'
Protein context (NP_066269.1, residues 138-158): NYRGRQYLLR[Pro148Ser]QEYRRCQDWG

ClinVar aggregate classification (germline): Uncertain significance (1 of 4 stars; one submission).

Conditions:
CRYGC-related disorder. Also called: CRYGC-related condition.

Submission:

PreventionGenetics, part of Exact Sciences
Classification: Uncertain significance for CRYGC-related condition. Last evaluated: 2025-04-11. Review status: criteria provided, single submitter. Criteria: ACMG Guidelines, 2015. Collection method: clinical testing. Allele origin: germline.
Comment: The CRYGC c.442C>T variant is predicted to result in the amino acid substitution p.Pro148Ser. To our knowledge, this variant has not been reported in the literature or in a large population database (gnomAD), indicating this variant is rare. At this time, the clinical significance of this variant is uncertain due to the absence of conclusive functional and genetic evidence.